The following is an entry in ClinVar:

ClinVar aggregate classification (germline): Uncertain significance (1 of 4 stars; one submission).

gnomAD v4.1: 1 of 1,614,210 alleles (0.000062%); highest among the groups gnomAD compares: Non-Finnish European, 0.000085%; no homozygotes.

Submission:

Labcorp Genetics (formerly Invitae), Labcorp
Classification: Uncertain significance. Last evaluated: 2025-06-14. Review status: criteria provided, single submitter. Criteria: Invitae Variant Classification Sherloc (09022015). Collection method: clinical testing. Allele origin: germline.
Comment: This sequence change replaces valine, which is neutral and non-polar, with leucine, which is neutral and non-polar, at codon 1250 of the MTOR protein (p.Val1250Leu). This variant is present in population databases (no rsID available, gnomAD 0.0009%). This variant has not been reported in the literature in individuals affected with MTOR-related conditions. Invitae Evidence Modeling of protein sequence and biophysical properties (such as structural, functional, and spatial information, amino acid conservation, physicochemical variation, residue mobility, and thermodynamic stability) indicates that this missense variant is not expected to disrupt MTOR protein function with a negative predictive value of 95%. In summary, the available evidence is currently insufficient to determine the role of this variant in disease. Therefore, it has been classified as a Variant of Uncertain Significance.

NM_004958.4(MTOR):c.3748G>C (p.Val1250Leu)

Gene: MTOR (mechanistic target of rapamycin kinase; minus strand). Cytogenetic location: 1p36.22.
Variant type: single nucleotide variant.
Coding change: c.3748G>C on transcript NM_004958.4 (MANE Select); coding-DNA position 3748, G replaced by C.
Protein change: p.Val1250Leu; replaces valine 1250 with leucine.
Molecular consequence: missense variant.
Genome position (GRCh38, 1-based): chr1:11,209,365, C>G on the plus strand (G>C on the coding strand, the complement: MTOR is on the minus strand). VCF-style: chr1-11209365-C-G. GRCh37 (hg19) VCF-style: chr1-11269422-C-G.
Other names: c.3748G>C, p.Val1250Leu (NM_001386500.1); c.2500G>C, p.Val834Leu (NM_001386501.1); short protein forms V1250L, V834L.
Identifiers: ClinVar variation 4799835 (VCV004799835.1).